The following is an entry in ClinVar:

NM_004991.4(MECOM):c.2994G>T (p.Lys998Asn)

Gene: MECOM (MDS1 and EVI1 complex locus; minus strand). Cytogenetic location: 3q26.2.
Variant type: single nucleotide variant.
Coding change: c.2994G>T on transcript NM_004991.4 (MANE Select); coding-DNA position 2994, G replaced by T.
Protein change: p.Lys998Asn; replaces lysine 998 with asparagine.
Molecular consequence: missense variant.
Genome position (GRCh38, 1-based): chr3:169,095,101, C>A on the plus strand (G>T on the coding strand, the complement: MECOM is on the minus strand). VCF-style: chr3-169095101-C-A. GRCh37 (hg19) VCF-style: chr3-168812889-C-A.
Other names: c.2625G>T, p.Lys875Asn (NM_001105077.4); c.2430G>T, p.Lys810Asn (NM_001105078.4, NM_001205194.2, NM_001366469.2 and 1 more transcripts); c.2406G>T, p.Lys802Asn (NM_001163999.2, NM_001366470.2); c.2403G>T, p.Lys801Asn (NM_001164000.2, NM_001366471.2, NM_001366472.2); c.2967G>T, p.Lys989Asn (NM_001366466.2); c.2433G>T, p.Lys811Asn (NM_001366467.2, NM_001366468.2); c.1995G>T, p.Lys665Asn (NM_001366473.2); c.1431G>T, p.Lys477Asn (NM_001366474.2); short protein forms K802N, K810N, K665N, K477N, K801N, K989N, K998N, K811N.
Identifiers: ClinVar variation 3681156 (VCV003681156.2).

ClinVar aggregate classification (germline): Uncertain significance (1 of 4 stars; one submission).

Submission:

Labcorp Genetics (formerly Invitae), Labcorp
Classification: Uncertain significance. Last evaluated: 2024-08-21. Review status: criteria provided, single submitter. Criteria: Invitae Variant Classification Sherloc (09022015). Collection method: clinical testing. Allele origin: germline.
Comment: This sequence change replaces lysine, which is basic and polar, with asparagine, which is neutral and polar, at codon 810 of the MECOM protein (p.Lys810Asn). This variant is not present in population databases (gnomAD no frequency). This variant has not been reported in the literature in individuals affected with MECOM-related conditions. An algorithm developed to predict the effect of missense changes on protein structure and function (PolyPhen-2) suggests that this variant is likely to be disruptive. In summary, the available evidence is currently insufficient to determine the role of this variant in disease. Therefore, it has been classified as a Variant of Uncertain Significance.